The following is an entry in ClinVar:

NM_002474.3(MYH11):c.3201C>A (p.Phe1067Leu)

Gene: MYH11 (myosin heavy chain 11; minus strand). Cytogenetic location: 16p13.11.
Variant type: single nucleotide variant.
Coding change: c.3201C>A on transcript NM_002474.3 (MANE Select); coding-DNA position 3201, C replaced by A.
Protein change: p.Phe1067Leu; replaces phenylalanine 1067 with leucine.
Molecular consequence: missense variant.
Genome position (GRCh38, 1-based): chr16:15,737,541, G>T on the plus strand (C>A on the coding strand, the complement: MYH11 is on the minus strand). VCF-style: chr16-15737541-G-T. GRCh37 (hg19) VCF-style: chr16-15831398-G-T.
Other names: c.3222C>A, p.Phe1074Leu (NM_001040113.2, NM_001040114.2); c.3201C>A, p.Phe1067Leu (NM_022844.3); short protein forms F1067L, F1074L.
Identifiers: ClinVar variation 3071703 (VCV003071703.1), dbSNP rs1488539058, ClinGen allele CA394863104.
Genomic context (GRCh38, chr16:15,737,541, plus strand): 5'-CTTGGCCAGCTGCATCTTGAGCTCTGCGATCTGCGCCTGGAGGTCAGCGATCTGCTCGTG[G>T]AAGTCGCTGGCATCACCCTCCAGCTTCCGTTTCAGCTTCTCCAGCTCCTGTCGGCTCTTC-3'
Protein context (NP_002465.1, residues 1057-1077): KRKLEGDASD[Phe1067Leu]HEQIADLQAQ

ClinVar aggregate classification (germline): Uncertain significance (1 of 4 stars; one submission).

Conditions:
Familial thoracic aortic aneurysm and aortic dissection (TAAD). Also called: Thoracic aortic aneurysms and dissections. Identifiers: Orphanet 91387, MedGen C4707243, MONDO:0019625.

Allele frequency attached by ClinVar (database versions not stated): gnomAD exomes below 0.00001; TOPMed below 0.00001.
gnomAD v4.1: 2 of 1,614,028 alleles (0.00012%); highest among the groups gnomAD compares: Non-Finnish European, 0.00017%; no homozygotes.

Submission:

All of Us Research Program, National Institutes of Health
Classification: Uncertain significance for Familial thoracic aortic aneurysm and aortic dissection. Last evaluated: 2023-06-28. Review status: criteria provided, single submitter. Criteria: ACMG Guidelines, 2015. Collection method: clinical testing. Allele origin: germline. Inheritance: Autosomal dominant inheritance. Observed: 1 variant allele, 1 heterozygote.
Comment: This study involves interpretation of variants in research participants for the purpose of population health screening. Participant phenotype was not available at the time of variant classification. Additional details can be found in publication PMID: 35346344, PMCID: PMC8962531